The following is an entry in ClinVar:

ClinVar aggregate classification (germline): Likely pathogenic (1 of 4 stars; one submission).

Submission:

Labcorp Genetics (formerly Invitae), Labcorp
Classification: Likely pathogenic. Last evaluated: 2023-12-19. Review status: criteria provided, single submitter. Criteria: Invitae Variant Classification Sherloc (09022015). Collection method: clinical testing. Allele origin: germline.
Comment: This variant results in the deletion of part of exon 58 (c.11191-2_11206del) of the VPS13D gene. It is expected to disrupt RNA splicing. Variants that disrupt the donor or acceptor splice site typically lead to a loss of protein function (PMID: 16199547), and loss-of-function variants in VPS13D are known to be pathogenic (PMID: 29518281). This variant is not present in population databases (gnomAD no frequency). This variant has not been reported in the literature in individuals affected with VPS13D-related conditions. In summary, the currently available evidence indicates that the variant is pathogenic, but additional data are needed to prove that conclusively. Therefore, this variant has been classified as Likely Pathogenic.

Literature cited by the submitters: PubMed 16199547; PubMed 29518281.

NM_015378.4(VPS13D):c.11191-2_11206del

Gene: VPS13D (vacuolar protein sorting 13 homolog D; plus strand). Cytogenetic location: 1p36.22.
Variant type: Deletion.
Coding change: c.11191-2_11206del on transcript NM_015378.4 (MANE Select); the canonical splice acceptor site of the intron before coding-DNA position 11191 through coding-DNA position 11206, 18 bases deleted (AGGCCAAAGGAGGACTTT).
Molecular consequence: splice acceptor variant.
Genome position (GRCh38, 1-based): chr1:12,382,974-12,382,991, AGGCCAAAGGAGGACTTT deleted; deleting any 18 consecutive bases within chr1:12,382,971-12,382,991 gives the same sequence; the c. name uses the placement nearest the transcript's 3' end. VCF-style (leftmost placement, unchanged base first): chr1-12382970-TTTTAGGCCAAAGGAGGAC-T. GRCh37 (hg19) VCF-style: chr1-12443029-TTTTAGGCCAAAGGAGGAC-T.
Other names: c.11116-2_11131del (NM_018156.4).
Identifiers: ClinVar variation 2704317 (VCV002704317.3), dbSNP rs2524499650, ClinGen allele CA2697552220.
Genomic context (GRCh38, chr1:12,382,970, plus strand): 5'-TGTGTTAACTTGTCAAAGTCAGTGCCTCTGTCTTTTCTCACATGTCTCTACTCCAATGTC[TTTTAGGCCAAAGGAGGAC>T]TTTCTGGTTTGTTTGATGGAGCTGAAGTTGTTCTTGGTCCTGACACTTCCATGGAGCTTT-3'